The following is an entry in ClinVar:

ClinVar aggregate classification (germline): Uncertain significance (1 of 4 stars; one submission).

Allele frequency attached by ClinVar (database versions not stated): gnomAD exomes below 0.00001.
gnomAD v4.1: 1 of 1,613,326 alleles (0.000062%); highest among the groups gnomAD compares: Non-Finnish European, 0.000085%; no homozygotes.

Submission:

Ambry Genetics
Classification: Uncertain significance. Last evaluated: 2023-01-12. Review status: criteria provided, single submitter. Criteria: Ambry Variant Classification Scheme 2023. Collection method: clinical testing. Allele origin: germline.
Comment: The p.Q929E variant (also known as c.2785C>G), located in coding exon 27 of the NEBL gene, results from a C to G substitution at nucleotide position 2785. The glutamine at codon 929 is replaced by glutamic acid, an amino acid with highly similar properties. This amino acid position is conserved. In addition, this alteration is predicted to be tolerated by in silico analysis. Since supporting evidence is limited at this time, the clinical significance of this alteration remains unclear.

NM_006393.3(NEBL):c.2785C>G (p.Gln929Glu)

Gene: NEBL (nebulette; minus strand). Cytogenetic location: 10p12.31.
Variant type: single nucleotide variant.
Coding change: c.2785C>G on transcript NM_006393.3 (MANE Select); coding-DNA position 2785, C replaced by G.
Protein change: p.Gln929Glu; replaces glutamine 929 with glutamic acid.
Molecular consequence: missense variant.
Genome position (GRCh38, 1-based): chr10:20,787,285, G>C on the plus strand (C>G on the coding strand, the complement: NEBL is on the minus strand). VCF-style: chr10-20787285-G-C. GRCh37 (hg19) VCF-style: chr10-21076214-G-C.
Other names: c.553C>G, p.Gln185Glu (NM_001173484.2, NM_213569.2); c.646C>G, p.Gln216Glu (NM_001377322.1); c.505C>G, p.Gln169Glu (NM_001377323.1); c.496C>G, p.Gln166Glu (NM_001377324.1); c.487C>G, p.Gln163Glu (NM_001377325.1); c.445C>G, p.Gln149Glu (NM_001377326.1, NM_001377327.1, NM_001377328.1); short protein forms Q169E, Q149E, Q185E, Q216E, Q163E, Q166E, Q929E.
Identifiers: ClinVar variation 2448881 (VCV002448881.2), dbSNP rs2491380244, ClinGen allele CA376092575.